The following is an entry in ClinVar:

ClinVar aggregate classification (germline): Conflicting classifications of pathogenicity. Review status: criteria provided, conflicting classifications (1 of 4 stars). 10 submissions from 10 submitters: Uncertain significance (2); Benign (1); Likely benign (7). Last evaluated 2026-09-01.

Conditions:
Inborn genetic diseases. Identifiers: MedGen C0950123, MeSH D030342.
Hypogonadotropic hypogonadism 5 with or without anosmia (KAL5). Also called: HYPOGONADOTROPIC HYPOGONADISM 5 WITH ANOSMIA; HYPOGONADOTROPHIC HYPOGONADISM 5 WITHOUT ANOSMIA; CHD7-Related GnRH Deficiency (Kallmann Syndrome 5). Identifiers: Orphanet 478, MedGen C3552553, MONDO:0012880, OMIM 612370. Disease mechanism: loss of function.
CHARGE syndrome (CHARGE). Also called: Coloboma, heart anomaly, choanal atresia, retardation, genital and ear anomalies; CHARGE association; Hall-Hittner syndrome; CHARGE ASSOCIATION--COLOBOMA, HEART ANOMALY, CHOANAL ATRESIA, RETARDATION, GENITAL AND EAR ANOMALIES; Hittner Hirsch Kreh syndrome. Identifiers: Orphanet 138, MedGen C0265354, MONDO:0008965.

Allele frequency attached by ClinVar (database versions not stated): gnomAD 0.00060 and 0.00063; ExAC 0.00064; TOPMed 0.00066; ESP Exome Variant Server 0.00091; gnomAD exomes 0.00102 and 0.00056; 1000 Genomes Project 30x 0.00016; 1000 Genomes Project 0.00020.
gnomAD v4.1: 1,649 of 1,613,294 alleles (0.1%); highest among the groups gnomAD compares: Non-Finnish European, 0.12%; 1 homozygote.

Submissions (10):

CeGaT Center for Human Genetics Tuebingen
Classification: Likely benign. Last evaluated: 2026-09-01. Review status: criteria provided, single submitter. Criteria: CeGaT Center For Human Genetics Tuebingen Variant Classification Criteria Version 2. Collection method: clinical testing. Allele origin: germline. Affected: yes. Observed: 9 variant alleles.
Comment: CHD7: BP4, BS1

Labcorp Genetics (formerly Invitae), Labcorp
Classification: Likely benign for CHARGE syndrome. Last evaluated: 2026-01-11. Review status: criteria provided, single submitter. Criteria: Invitae Variant Classification Sherloc (09022015). Collection method: clinical testing. Allele origin: germline.

Blueprint Genetics
Classification: Likely benign. Last evaluated: 2024-11-18. Review status: criteria provided, single submitter. Criteria: ACMG Guidelines, 2015. Collection method: clinical testing. Allele origin: germline.

GeneDx
Classification: Likely benign. Last evaluated: 2019-12-25. Review status: criteria provided, single submitter. Criteria: GeneDx Variant Classification Process June 2021. Collection method: clinical testing. Allele origin: germline. Affected: yes.

Illumina Laboratory Services, Illumina
Classification: Likely benign for Kallmann Syndrome 5. Last evaluated: 2017-11-13. Review status: criteria provided, single submitter. Criteria: ICSL Variant Classification Criteria 13 December 2019. Collection method: clinical testing. Allele origin: germline.
Comment: This variant was observed as part of a predisposition screen in an ostensibly healthy population. A literature search was performed for the gene, cDNA change, and amino acid change (where applicable). No publications were found based on this search. Allele frequency data from public databases allowed determination this variant is unlikely to cause disease. Therefore, this variant is classified as likely benign.

Women's Health and Genetics/Laboratory Corporation of America, LabCorp
Classification: Benign. Last evaluated: 2016-01-04. Review status: criteria provided, single submitter. Criteria: LabCorp Variant Classification Summary - May 2015. Collection method: clinical testing. Allele origin: germline.
Comment: Variant summary: The variant of interest is located at a non-conserved intronic position, not widely known to affect splicing with 5/5 in silico programs via Alamut predicting no significant effect on splicing, although these predictions have yet to be functionally assessed. The variant of interest was observed in the large, broad control population, ExAC, with an allele frequency of 69/108302 (1/1569), predominantly in the European (Non-Finnish) cohort, 55/60222 (1/1094), which exceeds the maximum expected allele frequency for a pathogenic CHD7 variant of 1/769230. The variant of interest has been reported in one individual affected with normosmic idiopathic hypogonadotropic hypogonadism via publications. Multiple reputable clinical laboratories have cited the variant with varying classifications: "uncertain significance" or "likely benign." Therefore, taking all available lines of evidence into consideration, the variant of interest is classified as Benign.

Eurofins Ntd Llc (ga)
Classification: Likely benign. Last evaluated: 2015-07-29. Review status: criteria provided, single submitter. Criteria: EGL Classification Definitions 2015. Collection method: clinical testing. Allele origin: germline. Observed: 1 variant allele, 1 heterozygote.

Genetic Services Laboratory, University of Chicago
Classification: Uncertain significance. Last evaluated: 2014-10-20. Review status: criteria provided, single submitter. Criteria: ACMG Guidelines, 2015. Collection method: clinical testing. Allele origin: germline.

Ambry Genetics
Classification: Uncertain significance for Inborn genetic diseases. Last evaluated: 2014-07-24. Review status: criteria provided, single submitter. Criteria: Ambry Variant Classification Scheme 2023. Collection method: clinical testing. Allele origin: germline.
Comment: The c.2835+8T>C intronic variant results from a T to C substitution 8 nucleotides after coding exon 9 in the CHD7 gene. This variant was previously reported in the SNPDatabase as rs202141372. Based on data from the 1000 Genomes Project, the C allele has an overall frequency of approximately 0.05% (1/2098) total alleles studied. The highest observed frequency was 0.59% (1/170) CEPH alleles. Based on data from the NHLBI Exome Sequencing Project (ESP), the C allele has an overall frequency of approximately 0.09% (11/12068) total alleles studied, having been observed in 0.03% (1/3804) African American alleles and 0.12% (10/8264) European American alleles. This nucleotide position is poorly conserved in available vertebrate species. Using the BDGP and ESEfinder splice site prediction tools, this alteration is not predicted to have any significant effect on this donor splice site; however, direct evidence is unavailable.

PreventionGenetics, part of Exact Sciences
Classification: Likely benign. Review status: criteria provided, single submitter. Criteria: ACMG Guidelines, 2015. Collection method: clinical testing. Allele origin: germline.

Literature cited by the submitters: PubMed 25472840 (cited by Women's Health and Genetics/Laboratory Corporation of America, LabCorp).

NM_017780.4(CHD7):c.2835+8T>C

Gene: CHD7 (chromodomain helicase DNA binding protein 7; plus strand). Cytogenetic location: 8q12.2.
Variant type: single nucleotide variant.
Coding change: c.2835+8T>C on transcript NM_017780.4 (MANE Select); 8 bases into the intron after coding-DNA position 2835, T replaced by C.
Molecular consequence: intron variant.
Genome position (GRCh38, 1-based): chr8:60,821,935, T>C. VCF-style: chr8-60821935-T-C. GRCh37 (hg19) VCF-style: chr8-61734494-T-C.
Other names: c.1717-40294T>C (NM_001316690.1).
Identifiers: ClinVar variation 210717 (VCV000210717.62), dbSNP rs202141372, ClinGen allele CA207472.